The following is an entry in ClinVar:

NM_000038.6(APC):c.5107G>A (p.Gly1703Arg)

Gene: APC (APC regulator of Wnt signaling pathway; plus strand). Cytogenetic location: 5q22.2.
Variant type: single nucleotide variant.
Coding change: c.5107G>A on transcript NM_000038.6 (MANE Select); coding-DNA position 5107, G replaced by A.
Protein change: p.Gly1703Arg; replaces glycine 1703 with arginine.
Molecular consequence: missense variant.
Genome position (GRCh38, 1-based): chr5:112,840,701, G>A. VCF-style: chr5-112840701-G-A. GRCh37 (hg19) VCF-style: chr5-112176398-G-A.
Other names: c.5107G>A, p.Gly1703Arg (NM_001127510.3, NM_001354895.2); c.5053G>A, p.Gly1685Arg (NM_001127511.3); c.5161G>A, p.Gly1721Arg (NM_001354896.2); c.5137G>A, p.Gly1713Arg (NM_001354897.2); c.5032G>A, p.Gly1678Arg (NM_001354898.2); c.5023G>A, p.Gly1675Arg (NM_001354899.2); c.4984G>A, p.Gly1662Arg (NM_001354900.2); c.4930G>A, p.Gly1644Arg (NM_001354901.2); and 5 more; short protein forms G1420R, G1678R, G1685R, G1602R, G1644R, G1662R, G1721R, G1543R.
Identifiers: ClinVar variation 927485 (VCV000927485.13), dbSNP rs1765848297, ClinGen allele CA16032494.
Genomic context (GRCh38, chr5:112,840,701, plus strand): 5'-GAATTTGAAAAACGAGATACCATTCCTACAGAAGGCAGAAGTACAGATGAGGCTCAAGGA[G>A]GAAAAACCTCATCTGTAACCATACCTGAATTGGATGACAATAAAGCAGAGGAAGGTGATA-3'
Protein context (NP_000029.2, residues 1693-1713): EGRSTDEAQG[Gly1703Arg]KTSSVTIPEL

ClinVar aggregate classification (germline): Uncertain significance. Review status: criteria provided, multiple submitters, no conflicts (2 of 4 stars). 3 submissions from 3 submitters: Uncertain significance (3). Last evaluated 2024-09-25.

Conditions:
Hereditary cancer-predisposing syndrome. Also called: Neoplastic Syndromes, Hereditary; Hereditary Cancer Syndrome; Tumor predisposition; Hereditary neoplastic syndrome. Identifiers: Orphanet 140162, MedGen C0027672, MeSH D009386, MONDO:0015356.
Familial adenomatous polyposis 1 (FAP1). Also called: FAMILIAL ADENOMATOUS POLYPOSIS 1, ATTENUATED; POLYPOSIS, ADENOMATOUS INTESTINAL. Identifiers: MedGen C2713442, MONDO:0021056, OMIM 175100. Disease mechanism: loss of function.

Submissions (3):

Labcorp Genetics (formerly Invitae), Labcorp
Classification: Uncertain significance for Familial adenomatous polyposis 1. Last evaluated: 2024-09-25. Review status: criteria provided, single submitter. Criteria: Invitae Variant Classification Sherloc (09022015). Collection method: clinical testing. Allele origin: germline.
Comment: This sequence change replaces glycine, which is neutral and non-polar, with arginine, which is basic and polar, at codon 1703 of the APC protein (p.Gly1703Arg). This variant is not present in population databases (gnomAD no frequency). This variant has not been reported in the literature in individuals affected with APC-related conditions. ClinVar contains an entry for this variant (Variation ID: 927485). Invitae Evidence Modeling of protein sequence and biophysical properties (such as structural, functional, and spatial information, amino acid conservation, physicochemical variation, residue mobility, and thermodynamic stability) indicates that this missense variant is not expected to disrupt APC protein function with a negative predictive value of 95%. In summary, the available evidence is currently insufficient to determine the role of this variant in disease. Therefore, it has been classified as a Variant of Uncertain Significance.

Ambry Genetics
Classification: Uncertain significance for Hereditary cancer-predisposing syndrome. Last evaluated: 2022-08-31. Review status: criteria provided, single submitter. Criteria: Ambry Variant Classification Scheme 2023. Collection method: clinical testing. Allele origin: germline.
Comment: The p.G1703R variant (also known as c.5107G>A), located in coding exon 15 of the APC gene, results from a G to A substitution at nucleotide position 5107. The glycine at codon 1703 is replaced by arginine, an amino acid with dissimilar properties. This amino acid position is well conserved in available vertebrate species. In addition, in silico predictors for this gene do not accurately predict pathogenicity. Since supporting evidence is limited at this time, the clinical significance of this alteration remains unclear.

Color Diagnostics, LLC DBA Color Health
Classification: Uncertain significance for Hereditary cancer-predisposing syndrome. Last evaluated: 2019-05-15. Review status: criteria provided, single submitter. Criteria: ACMG Guidelines, 2015. Collection method: clinical testing. Allele origin: germline.